The following is an entry in ClinVar:

NM_002016.2(FLG):c.3829G>C (p.Glu1277Gln)

Genes: CCDST (cervical cancer associated DHX9 suppressive transcript; plus strand), FLG (filaggrin; minus strand). Cytogenetic location: 1q21.3.
Variant type: single nucleotide variant.
Coding change: c.3829G>C on transcript NM_002016.2 (MANE Select); coding-DNA position 3829, G replaced by C.
Protein change: p.Glu1277Gln; replaces glutamic acid 1277 with glutamine.
Molecular consequence: missense variant.
Genome position (GRCh38, 1-based): chr1:152,311,057, C>G on the plus strand (G>C on the coding strand, the complement: FLG is on the minus strand). VCF-style: chr1-152311057-C-G. GRCh37 (hg19) VCF-style: chr1-152283533-C-G.
Other names: short protein forms E1277Q.
Identifiers: ClinVar variation 2639293 (VCV002639293.25), dbSNP rs139456266, ClinGen allele CA1106496.

ClinVar aggregate classification (germline): Likely benign. Review status: criteria provided, multiple submitters, no conflicts (2 of 4 stars). 2 submissions from 2 submitters: Likely benign (2). Last evaluated 2024-11-22.

Allele frequency attached by ClinVar (database versions not stated): ExAC 0.00083; gnomAD 0.00095; TOPMed 0.00107; 1000 Genomes Project 0.00160; 1000 Genomes Project 30x 0.00172.
gnomAD v4.1: 763 of 1,613,886 alleles (0.047%); highest among the groups gnomAD compares: Admixed American, 0.4%; 1 homozygote.

Submissions (2):

Blueprint Genetics
Classification: Likely benign. Last evaluated: 2024-11-22. Review status: criteria provided, single submitter. Criteria: ACMG Guidelines, 2015. Collection method: clinical testing. Allele origin: germline.

CeGaT Center for Human Genetics Tuebingen
Classification: Likely benign. Last evaluated: 2023-04-01. Review status: criteria provided, single submitter. Criteria: CeGaT Center For Human Genetics Tuebingen Variant Classification Criteria Version 2. Collection method: clinical testing. Allele origin: germline. Affected: yes. Observed: 1 variant allele.
Comment: FLG: BP4